The following is an entry in ClinVar:

ClinVar aggregate classification (germline): Uncertain significance. Review status: criteria provided, multiple submitters, no conflicts (2 of 4 stars). 3 submissions from 3 submitters: Uncertain significance (3). Last evaluated 2024-11-13.

Conditions:
Norman-Roberts syndrome (LIS2). Also called: Lissencephaly 2 (Norman-Roberts type). Identifiers: Orphanet 89844, MedGen C0796089, MONDO:0009760, OMIM 257320.
Familial temporal lobe epilepsy 7. Identifiers: Orphanet 101046, MedGen C4225327, MONDO:0014639, OMIM 616436.

Allele frequency attached by ClinVar (database versions not stated): gnomAD exomes below 0.00001; ExAC 0.00001; gnomAD 0.00001; 1000 Genomes Project 0.00020; 1000 Genomes Project 30x 0.00031.
gnomAD v4.1: 8 of 1,614,002 alleles (0.0005%); highest among the groups gnomAD compares: Admixed American, 0.013%; no homozygotes.

Submissions (3):

Women's Health and Genetics/Laboratory Corporation of America, LabCorp
Classification: Uncertain significance. Last evaluated: 2024-11-13. Review status: criteria provided, single submitter. Criteria: LabCorp Variant Classification Summary - May 2015. Collection method: clinical testing. Allele origin: germline.
Comment: Variant summary: RELN c.10340A>G (p.His3447Arg) results in a non-conservative amino acid change in the encoded protein sequence. Four of five in-silico tools predict a damaging effect of the variant on protein function. The variant allele was found at a frequency of 8e-06 in 251170 control chromosomes. The available data on variant occurrences in the general population are insufficient to allow any conclusion about variant significance. To our knowledge, no occurrence of c.10340A>G in individuals affected with Epilepsy Familial Temporal Lobe 7 and no experimental evidence demonstrating its impact on protein function have been reported. ClinVar contains an entry for this variant (Variation ID: 2682990). Based on the evidence outlined above, the variant was classified as uncertain significance.

Labcorp Genetics (formerly Invitae), Labcorp
Classification: Uncertain significance for Familial temporal lobe epilepsy 7; Norman-Roberts syndrome. Last evaluated: 2024-04-12. Review status: criteria provided, single submitter. Criteria: Invitae Variant Classification Sherloc (09022015). Collection method: clinical testing. Allele origin: germline.
Comment: This sequence change replaces histidine, which is basic and polar, with arginine, which is basic and polar, at codon 3447 of the RELN protein (p.His3447Arg). This variant is present in population databases (rs201731543, gnomAD 0.006%). This variant has not been reported in the literature in individuals affected with RELN-related conditions. Advanced modeling of protein sequence and biophysical properties (such as structural, functional, and spatial information, amino acid conservation, physicochemical variation, residue mobility, and thermodynamic stability) performed at Invitae indicates that this missense variant is not expected to disrupt RELN protein function with a negative predictive value of 80%. In summary, the available evidence is currently insufficient to determine the role of this variant in disease. Therefore, it has been classified as a Variant of Uncertain Significance.

Mayo Clinic Laboratories, Mayo Clinic
Classification: Uncertain significance. Last evaluated: 2022-08-23. Review status: criteria provided, single submitter. Criteria: ACMG Guidelines, 2015. Collection method: clinical testing. Allele origin: germline. Observed: 1 variant allele.
Comment: PM2

NM_005045.4(RELN):c.10340A>G (p.His3447Arg)

Genes: SLC26A5-AS1 (SLC26A5 antisense RNA 1; plus strand), RELN (reelin; minus strand). Cytogenetic location: 7q22.1.
Variant type: single nucleotide variant.
Coding change: c.10340A>G on transcript NM_005045.4 (MANE Select); coding-DNA position 10340, A replaced by G.
Protein change: p.His3447Arg; replaces histidine 3447 with arginine.
Molecular consequence: missense variant.
Genome position (GRCh38, 1-based): chr7:103,472,855, T>C on the plus strand (A>G on the coding strand, the complement: RELN is on the minus strand). VCF-style: chr7-103472855-T-C. GRCh37 (hg19) VCF-style: chr7-103113302-T-C.
Other names: p.His3447Arg; c.10334A>G, p.His3445Arg (NM_173054.3); short protein forms H3445R, H3447R.
Identifiers: ClinVar variation 2682990 (VCV002682990.5), dbSNP rs201731543, ClinGen allele CA4419913.